The following is an entry in ClinVar:

ClinVar aggregate classification (germline): Conflicting classifications of pathogenicity. Review status: criteria provided, conflicting classifications (1 of 4 stars). 2 submissions from 2 submitters: Likely pathogenic (1); Uncertain significance (1). Last evaluated 2017-01-01.

Conditions:
Retinal dystrophy. Also called: Inherited retinal dystrophy. Identifiers: Orphanet 71862, MedGen C0854723, MeSH D058499, MONDO:0019118, HP:0000556.
Leber congenital amaurosis 11 (LCA11). Identifiers: Orphanet 65, MedGen C1840284, MONDO:0013454, OMIM 613837.

Submissions (2):

Institute of Human Genetics, Univ. Regensburg, Univ. Regensburg
Classification: Likely pathogenic for Retinal dystrophy. Last evaluated: 2017-01-01. Review status: criteria provided, single submitter. Criteria: ACMG Guidelines, 2015. Collection method: clinical testing. Allele origin: germline. Affected: yes.

Centre for Mendelian Genomics, University Medical Centre Ljubljana
Classification: Uncertain significance for Leber congenital amaurosis 11. Last evaluated: 2016-01-01. Review status: criteria provided, single submitter. Criteria: ACMG Guidelines, 2015. Collection method: clinical testing. Allele origin: unknown. Affected: yes.
Comment: This variant was classified as: Uncertain significance. The following ACMG criteria were applied in classifying this variant: PM2,PP3.

Literature cited by the submitters: PubMed 31054281 (cited by Institute of Human Genetics, Univ. Regensburg, Univ. Regensburg); PubMed 317257 (cited by Institute of Human Genetics, Univ. Regensburg, Univ. Regensburg).

NM_000883.4(IMPDH1):c.942G>T (p.Lys314Asn)

Gene: IMPDH1 (inosine monophosphate dehydrogenase 1; minus strand). Cytogenetic location: 7q32.1.
Variant type: single nucleotide variant.
Coding change: c.942G>T on transcript NM_000883.4 (MANE Select); coding-DNA position 942, G replaced by T.
Protein change: p.Lys314Asn; replaces lysine 314 with asparagine.
Molecular consequence: missense variant.
Genome position (GRCh38, 1-based): chr7:128,398,546, C>A on the plus strand (G>T on the coding strand, the complement: IMPDH1 is on the minus strand). VCF-style: chr7-128398546-C-A. GRCh37 (hg19) VCF-style: chr7-128038600-C-A.
Other names: c.912G>T, p.Lys304Asn (NM_001102605.2); c.687G>T, p.Lys229Asn (NM_001142573.2); c.672G>T, p.Lys224Asn (NM_001142574.2); c.612G>T, p.Lys204Asn (NM_001142575.2); c.843G>T, p.Lys281Asn (NM_001142576.2); c.735G>T, p.Lys245Asn (NM_001304521.2); c.834G>T, p.Lys278Asn (NM_183243.3); short protein forms K224N, K229N, K314N, K204N, K245N, K278N, K304N, K281N.
Identifiers: ClinVar variation 931488 (VCV000931488.4), dbSNP rs1798090540, ClinGen allele CA369169270.